The following is an entry in ClinVar:

NM_001291415.2(KDM6A):c.271G>T (p.Val91Leu)

Gene: KDM6A (lysine demethylase 6A; plus strand). Cytogenetic location: Xp11.3.
Variant type: single nucleotide variant.
Coding change: c.271G>T on transcript NM_001291415.2 (MANE Select); coding-DNA position 271, G replaced by T.
Protein change: p.Val91Leu; replaces valine 91 with leucine.
Molecular consequence: missense variant. On other transcripts: 5 prime UTR variant (1), non-coding transcript variant (1).
Genome position (GRCh38, 1-based): chrX:44,961,329, G>T. VCF-style: chrX-44961329-G-T. GRCh37 (hg19) VCF-style: chrX-44820574-G-T.
Other names: c.271G>T, p.Val91Leu (NM_001291416.2, NM_001291417.2, NM_001291418.2 and 9 more transcripts); c.-362G>T (NM_001291421.2); short protein forms V91L.
Identifiers: ClinVar variation 2660368 (VCV002660368.24), dbSNP rs781622337, ClinGen allele CA413020941.

ClinVar aggregate classification (germline): Uncertain significance (1 of 4 stars; one submission).

Submission:

CeGaT Center for Human Genetics Tuebingen
Classification: Uncertain significance. Last evaluated: 2023-10-01. Review status: criteria provided, single submitter. Criteria: CeGaT Center For Human Genetics Tuebingen Variant Classification Criteria Version 2. Collection method: clinical testing. Allele origin: germline. Affected: yes. Observed: 1 variant allele.
Comment: KDM6A: PM2